The following is an entry in ClinVar:

ClinVar aggregate classification (germline): Pathogenic/Likely pathogenic. Review status: criteria provided, multiple submitters, no conflicts (2 of 4 stars). 4 submissions from 4 submitters: Pathogenic (1); Likely pathogenic (3). Last evaluated 2025-11-14.

Conditions:
Hereditary cancer-predisposing syndrome. Also called: Tumor predisposition; Hereditary neoplastic syndrome; Neoplastic Syndromes, Hereditary; Hereditary Cancer Syndrome. Identifiers: Orphanet 140162, MedGen C0027672, MeSH D009386, MONDO:0015356.
Hereditary leiomyomatosis and renal cell cancer. Also called: Multiple cutaneous leiomyomas; MULTIPLE CUTANEOUS AND UTERINE LEIOMYOMATA 1, WITH OR WITHOUT RENAL CELL CARCINOMA; FH tumor predisposition syndrome; LEIOMYOMA, MULTIPLE CUTANEOUS; Reed syndrome; Multiple cutaneous and uterine leiomyomatosis. Identifiers: Orphanet 523, MedGen C1708350, MONDO:0007888, OMIM 150800, HP:0007437. Disease mechanism: loss of function.

Submissions (4):

Women's Health and Genetics/Laboratory Corporation of America, LabCorp
Classification: Likely pathogenic for Hereditary leiomyomatosis and renal cell cancer. Last evaluated: 2025-11-14. Review status: criteria provided, single submitter. Criteria: LabCorp Variant Classification Summary - May 2015. Collection method: clinical testing. Allele origin: germline.
Comment: Variant summary: FH c.1205A>G (p.His402Arg) results in a non-conservative amino acid change in the encoded protein sequence. Algorithms developed to predict the effect of missense changes on protein structure and function all suggest that this variant is likely to be disruptive. The variant was absent in 251354 control chromosomes. c.1205A>G has been observed in multiple individual(s) affected with clinical features of FH-related conditions (external data, internal data). These data indicate that the variant may be associated with disease. To our knowledge, no experimental evidence demonstrating an impact on protein function has been reported. However, a different missense variant (c.1204C>T, p.His402Tyr) has been determined to be likely pathogenic/pathogenic by our laboratory, supporting the critical relevance of codon 402 for FH protein function (PMID: 29052812). ClinVar contains an entry for this variant (Variation ID: 265149). Based on the evidence outlined above, the variant was classified as likely pathogenic for autosomal dominant Hereditary Leiomyomatosis And Renal Cell Cancer and autosomal recessive Fumarate Hydratase Deficiency.

Labcorp Genetics (formerly Invitae), Labcorp
Classification: Pathogenic. Last evaluated: 2025-03-05. Review status: criteria provided, single submitter. Criteria: Invitae Variant Classification Sherloc (09022015). Collection method: clinical testing. Allele origin: germline.
Comment: This sequence change replaces histidine, which is basic and polar, with arginine, which is basic and polar, at codon 402 of the FH protein (p.His402Arg). This variant is not present in population databases (gnomAD no frequency). This missense change has been observed in individuals with clinical features of hereditary leiomyomatosis and renal cell cancer (external communication, internal data). ClinVar contains an entry for this variant (Variation ID: 265149). Invitae Evidence Modeling of protein sequence and biophysical properties (such as structural, functional, and spatial information, amino acid conservation, physicochemical variation, residue mobility, and thermodynamic stability) indicates that this missense variant is expected to disrupt FH protein function with a positive predictive value of 95%. For these reasons, this variant has been classified as Pathogenic.

GeneDx
Classification: Likely pathogenic. Last evaluated: 2024-12-09. Review status: criteria provided, single submitter. Criteria: GeneDx Variant Classification Process June 2021. Collection method: clinical testing. Allele origin: germline. Affected: yes.
Comment: The H402R variant in the FH gene has not been published as a pathogenic variant, nor has it been reported as a benign variant to our knowledge. The H402R variant was not observed in approximately 6,500 individuals of European and African American ancestry in the NHLBI Exome Sequencing Project, indicating it is not a common benign variant in these populations. The H402R variant is a conservative amino acid substitution, which is not likely to impact secondary protein structure as these residues share similar properties. This substitution occurs at a position that is conserved across species, and in silico analysis predicts this variant is probably damaging to the protein structure/function. A missense variant in a nearby residue (G397R) has been reported in the Human Gene Mutation Database in association with multiple leiomyomatosis (Stenson et al., 2014), supporting the functional importance of this region of the protein. Based on the currently available evidence, it is unclear whether this variant is a pathogenic variant or a rare benign variant. We consider it to be a variant of uncertain significance.

Ambry Genetics
Classification: Likely pathogenic for Hereditary cancer-predisposing syndrome. Last evaluated: 2024-07-10. Review status: criteria provided, single submitter. Criteria: Ambry Variant Classification Scheme 2023. Collection method: clinical testing. Allele origin: germline.
Comment: The p.H402R variant (also known as c.1205A>G), located in coding exon 8 of the FH gene, results from an A to G substitution at nucleotide position 1205. The histidine at codon 402 is replaced by arginine, an amino acid with highly similar properties. This alteration has been observed in multiple individuals with a personal and/or family history that is consistent with FH-related disease (Ambry internal data). This variant is considered to be rare based on population cohorts in the Genome Aggregation Database (gnomAD). This amino acid position is highly conserved in available vertebrate species. In addition, this alteration is predicted to be deleterious by in silico analysis. Based on the majority of available evidence to date, this variant is likely to be pathogenic.

NM_000143.4(FH):c.1205A>G (p.His402Arg)

Gene: FH (fumarate hydratase; minus strand). Cytogenetic location: 1q43.
Variant type: single nucleotide variant.
Coding change: c.1205A>G on transcript NM_000143.4 (MANE Select); coding-DNA position 1205, A replaced by G.
Protein change: p.His402Arg; replaces histidine 402 with arginine.
Molecular consequence: missense variant.
Genome position (GRCh38, 1-based): chr1:241,502,474, T>C on the plus strand (A>G on the coding strand, the complement: FH is on the minus strand). VCF-style: chr1-241502474-T-C. GRCh37 (hg19) VCF-style: chr1-241665774-T-C.
Other names: short protein forms H402R.
Identifiers: ClinVar variation 265149 (VCV000265149.18), dbSNP rs886039366, ClinGen allele CA10588289.